The following is an entry in ClinVar:

NC_000002.11:g.(?_51153056)_(51153113_?)del

Gene: NRXN1 (neurexin 1; minus strand). Cytogenetic location: 2p16.3.
Variant type: Deletion.
Identifiers: ClinVar variation 1041301 (VCV001041301.3).

ClinVar aggregate classification (germline): Uncertain significance (1 of 4 stars; one submission).

Conditions:
Pitt-Hopkins-like syndrome 2 (PTHSL2). Identifiers: Orphanet 221150, Orphanet 600663, MedGen C3280479, MONDO:0013690, OMIM 614325.

Submission:

Labcorp Genetics (formerly Invitae), Labcorp
Classification: Uncertain significance for Pitt-Hopkins-like syndrome 2. Last evaluated: 2020-05-11. Review status: criteria provided, single submitter. Criteria: Invitae Variant Classification Sherloc (09022015). Collection method: clinical testing. Allele origin: germline.
Comment: In summary, the available evidence is currently insufficient to determine the role of this variant in disease. Therefore, it has been classified as a Variant of Uncertain Significance. A similar copy number variant has been observed in individual(s) referred for array CGH analysis (PMID: 25408897). This variant is an in-frame deletion of the genomic region encompassing exon(s) 4 of the NRXN1 gene. It preserves the integrity of the reading frame.

Literature cited by the submitters: PubMed 25408897.